The following is an entry in ClinVar:

NM_001290060.2(SEMA3B):c.1612G>A (p.Gly538Arg)

Gene: SEMA3B (semaphorin 3B; plus strand). Cytogenetic location: 3p21.31.
Variant type: single nucleotide variant.
Coding change: c.1612G>A on transcript NM_001290060.2 (MANE Select); coding-DNA position 1612, G replaced by A.
Protein change: p.Gly538Arg; replaces glycine 538 with arginine.
Molecular consequence: missense variant.
Genome position (GRCh38, 1-based): chr3:50,275,422, G>A. VCF-style: chr3-50275422-G-A. GRCh37 (hg19) VCF-style: chr3-50312853-G-A.
Other names: c.1612G>A, p.Gly538Arg (NM_004636.4); c.1609G>A, p.Gly537Arg (NM_001005914.3); c.1627G>A, p.Gly543Arg (NM_001290061.1); c.583G>A, p.Gly195Arg (NM_001290062.2, NM_001290063.2); short protein forms G195R, G537R, G538R, G543R.
Identifiers: ClinVar variation 3348013 (VCV003348013.1).

ClinVar aggregate classification (germline): Uncertain significance (0 of 4 stars; one submission).

Conditions:
SEMA3B-related disorder. Also called: SEMA3B-related condition.

gnomAD v4.1: 17 of 1,603,044 alleles (0.0011%); highest among the groups gnomAD compares: Admixed American, 0.0034%; no homozygotes.

Submission:

PreventionGenetics, part of Exact Sciences
Classification: Uncertain significance for SEMA3B-related condition. Last evaluated: 2024-01-17. Review status: no assertion criteria provided. Collection method: clinical testing. Allele origin: germline.
Comment: The SEMA3B c.1627G>A variant is predicted to result in the amino acid substitution p.Gly543Arg. To our knowledge, this variant has not been reported in the literature. This variant is reported in 0.0062% of alleles in individuals of Latino descent in gnomAD. At this time, the clinical significance of this variant is uncertain due to the absence of conclusive functional and genetic evidence.